The following is an entry in ClinVar:

NM_001114753.3(ENG):c.1970T>C (p.Met657Thr)

Gene: ENG (endoglin; minus strand). Cytogenetic location: 9q34.11.
Variant type: single nucleotide variant.
Coding change: c.1970T>C on transcript NM_001114753.3 (MANE Select); coding-DNA position 1970, T replaced by C.
Protein change: p.Met657Thr; replaces methionine 657 with threonine.
Molecular consequence: missense variant.
Genome position (GRCh38, 1-based): chr9:127,815,689, A>G on the plus strand (T>C on the coding strand, the complement: ENG is on the minus strand). VCF-style: chr9-127815689-A-G. GRCh37 (hg19) VCF-style: chr9-130577968-A-G.
Other names: c.*228T>C (NM_000118.4); c.1424T>C, p.Met475Thr (NM_001278138.2); c.1970T>C (NM_001114753.1); short protein forms M657T, M475T.
Identifiers: ClinVar variation 425462 (VCV000425462.50), dbSNP rs768873662, ClinGen allele CA5252576.
Genomic context (GRCh38, chr9:127,815,689, plus strand): 5'-CCCAGCTGGCGGCTGCTCAGTCTCTCCTGCTGGGCGAGCGCGGGGGGCCGGGGCTATGCC[A>G]TGCTGCTGGTGGAGCAGGGGGTGCTCTGGGTGCTCCCGATGCTGTGGTTGGTGCTGCTGC-3'
Protein context (NP_001108225.1, residues 647-658): TQSTPCSTSS[Met657Thr]A

ClinVar aggregate classification (germline): Conflicting classifications of pathogenicity. Review status: criteria provided, conflicting classifications (1 of 4 stars). 5 submissions from 5 submitters: Uncertain significance (4); Likely benign (1). Last evaluated 2026-01-29.

Conditions:
ENG-related disorder. Also called: ENG-related condition; ENG-related disorders.
Cardiovascular phenotype. Identifiers: MedGen CN230736.
Telangiectasia, hereditary hemorrhagic, type 1 (HHT1). Also called: ENG-Related Hereditary Hemorrhagic Telangiectasia; Osler Weber Rendu syndrome type 1. Identifiers: Orphanet 774, MedGen C4551861, MONDO:0008535, OMIM 187300. Disease mechanism: loss of function.

Allele frequency attached by ClinVar (database versions not stated): gnomAD exomes 0.00002 and 0.00004; TOPMed 0.00003; ExAC 0.00008; gnomAD 0.00001.
gnomAD v4.1: 35 of 1,563,006 alleles (0.0022%); highest among the groups gnomAD compares: Non-Finnish European, 0.0029%; no homozygotes.

Submissions (5):

PreventionGenetics, part of Exact Sciences
Classification: Uncertain significance for ENG-related condition. Last evaluated: 2026-01-29. Review status: criteria provided, single submitter. Criteria: ACMG Guidelines, 2015. Collection method: clinical testing. Allele origin: germline.
Comment: The ENG c.1970T>C variant is predicted to result in the amino acid substitution p.Met657Thr. To our knowledge, this variant has not been reported in the literature. This variant is reported in 0.0087% of alleles in individuals of European (Non-Finnish) descent in gnomAD. At this time, the clinical significance of this variant is uncertain due to the absence of conclusive functional and genetic evidence.

Ambry Genetics
Classification: Likely benign for Cardiovascular phenotype. Last evaluated: 2025-12-14. Review status: criteria provided, single submitter. Criteria: Ambry Variant Classification Scheme 2023. Collection method: clinical testing. Allele origin: germline.

ARUP Laboratories, Molecular Genetics and Genomics, ARUP Laboratories
Classification: Uncertain significance for Telangiectasia, hereditary hemorrhagic, type 1. Last evaluated: 2022-10-19. Review status: criteria provided, single submitter. Criteria: ARUP Molecular Germline Variant Investigation Process 2021. Collection method: clinical testing. Allele origin: germline.
Comment: The ENG c.1970T>C; p.Met657Thr variant (rs768873662), to our knowledge, is not reported in the medical literature but is reported in ClinVar (Variation ID: 425462). This variant is found in the non-Finnish European population with an allele frequency of 0.009% (7/80290 alleles) in the Genome Aggregation Database. The methionine at codon 657 is highly conserved, but computational analyses predict that this variant is neutral (REVEL: 0.122). Due to limited information, the clinical significance of the p.Met657Thr variant is uncertain at this time.

Fulgent Genetics
Classification: Uncertain significance for Telangiectasia, hereditary hemorrhagic, type 1. Last evaluated: 2022-02-15. Review status: criteria provided, single submitter. Criteria: ACMG Guidelines, 2015. Collection method: clinical testing. Allele origin: unknown.

CeGaT Center for Human Genetics Tuebingen
Classification: Uncertain significance. Last evaluated: 2016-11-01. Review status: criteria provided, single submitter. Criteria: CeGaT Center For Human Genetics Tuebingen Variant Classification Criteria Version 2. Collection method: clinical testing. Allele origin: germline. Affected: yes. Observed: 1 variant allele.